The following is an entry in ClinVar:

NM_006031.6(PCNT):c.16G>C (p.Glu6Gln)

Gene: PCNT (pericentrin; plus strand). Cytogenetic location: 21q22.3.
Variant type: single nucleotide variant.
Coding change: c.16G>C on transcript NM_006031.6 (MANE Select); coding-DNA position 16, G replaced by C.
Protein change: p.Glu6Gln; replaces glutamic acid 6 with glutamine.
Molecular consequence: missense variant.
Genome position (GRCh38, 1-based): chr21:46,324,244, G>C. VCF-style: chr21-46324244-G-C. GRCh37 (hg19) VCF-style: chr21-47744158-G-C.
Other names: short protein forms E6Q.
Identifiers: ClinVar variation 436252 (VCV000436252.49), dbSNP rs761540486, ClinGen allele CA10078086.

ClinVar aggregate classification (germline): Uncertain significance. Review status: criteria provided, multiple submitters, no conflicts (2 of 4 stars). 5 submissions from 5 submitters: Uncertain significance (4). 1 of the submissions does not count toward it. Last evaluated 2025-09-22.

Conditions:
PCNT-related disorder. Also called: PCNT-related condition.
Microcephalic osteodysplastic primordial dwarfism type II (MOPD2). Also called: OSTEODYSPLASTIC PRIMORDIAL DWARFISM, TYPE II; Microcephalic osteodysplastic primordial dwarfism with tooth abnormalities; MOPD II. Identifiers: Orphanet 2637, MedGen C0432246, MONDO:0008872, OMIM 210720.

Allele frequency attached by ClinVar (database versions not stated): ExAC 0.00001; gnomAD exomes 0.00001; gnomAD 0.00005 and 0.00006; TOPMed 0.00008.
gnomAD v4.1: 34 of 1,612,134 alleles (0.0021%); highest among the groups gnomAD compares: Admixed American, 0.0067%; no homozygotes.

Submissions (5):

Labcorp Genetics (formerly Invitae), Labcorp
Classification: Uncertain significance. Last evaluated: 2025-09-22. Review status: criteria provided, single submitter. Criteria: Invitae Variant Classification Sherloc (09022015). Collection method: clinical testing. Allele origin: germline.
Comment: This sequence change replaces glutamic acid, which is acidic and polar, with glutamine, which is neutral and polar, at codon 6 of the PCNT protein (p.Glu6Gln). This variant is present in population databases (rs761540486, gnomAD 0.003%). This variant has not been reported in the literature in individuals affected with PCNT-related conditions. ClinVar contains an entry for this variant (Variation ID: 436252). Experimental studies and prediction algorithms are not available or were not evaluated, and the functional significance of this variant is currently unknown. In summary, the available evidence is currently insufficient to determine the role of this variant in disease. Therefore, it has been classified as a Variant of Uncertain Significance.

CeGaT Center for Human Genetics Tuebingen
Classification: Uncertain significance. Last evaluated: 2020-07-01. Review status: criteria provided, single submitter. Criteria: CeGaT Center For Human Genetics Tuebingen Variant Classification Criteria Version 2. Collection method: clinical testing. Allele origin: germline. Affected: yes. Observed: 1 variant allele.

Illumina Laboratory Services, Illumina
Classification: Uncertain significance for Microcephalic osteodysplastic primordial dwarfism type II. Last evaluated: 2018-01-12. Review status: criteria provided, single submitter. Criteria: ICSL Variant Classification Criteria 13 December 2019. Collection method: clinical testing. Allele origin: germline.

Genetic Services Laboratory, University of Chicago
Classification: Uncertain significance. Last evaluated: 2015-09-10. Review status: criteria provided, single submitter. Criteria: ACMG Guidelines, 2015. Collection method: clinical testing. Allele origin: germline. Affected: no.

PreventionGenetics, part of Exact Sciences
Classification: Uncertain significance for PCNT-related condition. Last evaluated: 2024-05-07. Review status: no assertion criteria provided. Collection method: clinical testing. Allele origin: germline. Not counted in ClinVar's aggregate classification.
Comment: The PCNT c.16G>C variant is predicted to result in the amino acid substitution p.Glu6Gln. To our knowledge, this variant has not been reported in the literature. This variant is reported in 0.0029% of alleles in individuals of Latino descent in gnomAD. At this time, the clinical significance of this variant is uncertain due to the absence of conclusive functional and genetic evidence.